The following is an entry in ClinVar:

ClinVar aggregate classification (germline): Uncertain significance (1 of 4 stars; one submission).

Conditions:
Spastic paraplegia. Identifiers: MedGen C0037772, HP:0001258.

Submission:

Labcorp Genetics (formerly Invitae), Labcorp
Classification: Uncertain significance for Spastic paraplegia. Last evaluated: 2021-01-04. Review status: criteria provided, single submitter. Criteria: Invitae Variant Classification Sherloc (09022015). Collection method: clinical testing. Allele origin: germline.
Comment: In summary, the available evidence is currently insufficient to determine the role of this variant in disease. Therefore, it has been classified as a Variant of Uncertain Significance. Algorithms developed to predict the effect of missense changes on protein structure and function (SIFT, PolyPhen-2, Align-GVGD) all suggest that this variant is likely to be disruptive, but these predictions have not been confirmed by published functional studies and their clinical significance is uncertain. This variant has not been reported in the literature in individuals with SLC33A1-related conditions. This variant is not present in population databases (ExAC no frequency). This sequence change replaces valine with alanine at codon 512 of the SLC33A1 protein (p.Val512Ala). The valine residue is moderately conserved and there is a small physicochemical difference between valine and alanine.

NM_004733.4(SLC33A1):c.1535T>C (p.Val512Ala)

Gene: SLC33A1 (solute carrier family 33 member 1; minus strand). Cytogenetic location: 3q25.31.
Variant type: single nucleotide variant.
Coding change: c.1535T>C on transcript NM_004733.4 (MANE Select); coding-DNA position 1535, T replaced by C.
Protein change: p.Val512Ala; replaces valine 512 with alanine.
Molecular consequence: missense variant.
Genome position (GRCh38, 1-based): chr3:155,828,325, A>G on the plus strand (T>C on the coding strand, the complement: SLC33A1 is on the minus strand). VCF-style: chr3-155828325-A-G. GRCh37 (hg19) VCF-style: chr3-155546114-A-G.
Other names: c.1535T>C, p.Val512Ala (NM_001190992.2); c.1229T>C, p.Val410Ala (NM_001363883.1); short protein forms V512A, V410A.
Identifiers: ClinVar variation 1485342 (VCV001485342.8), dbSNP rs2109302362, ClinGen allele CA355139869.